The following is an entry in ClinVar:

ClinVar aggregate classification (germline): Uncertain significance (0 of 4 stars; one submission).

Submission:

Department of Pathology and Laboratory Medicine, Sinai Health System
Classification: Uncertain significance. Review status: no assertion criteria provided. Collection method: clinical testing. Allele origin: unknown. Affected: yes. Study: The Canadian Open Genetics Repository (COGR).
Comment: The CC2D2A p.Met104Lys variant was not identified in the literature nor was it identified in dbSNP, ClinVar or in the following control databases: the 1000 Genomes Project, the NHLBI GO Exome Sequencing Project, or the Genome Aggregation Database (March 6, 2019, v2.1.1). The p.Met104 residue is conserved in mammals and computational analyses (PolyPhen-2, SIFT, AlignGVGD, BLOSUM, MutationTaster) provide inconsistent predictions regarding the impact to the protein; this information is not very predictive of pathogenicity. The variant occurs outside of the splicing consensus sequence and 1 of 4 in silico or computational prediction software programs (SpliceSiteFinder, MaxEntScan, NNSPLICE, GeneSplicer) predict a greater than 10% difference in splicing; this is not very predictive of pathogenicity. In summary, based on the above information the clinical significance of this variant cannot be determined with certainty at this time. This variant is classified as a variant of uncertain significance.

NM_001378615.1(CC2D2A):c.311T>A (p.Met104Lys)

Genes: CC2D2A (coiled-coil and C2 domain containing 2A; plus strand), FBXL5 (F-box and leucine rich repeat protein 5; minus strand). Cytogenetic location: 4p15.32.
Variant type: single nucleotide variant.
Coding change: c.311T>A on transcript NM_001378615.1 (MANE Select); coding-DNA position 311, T replaced by A.
Protein change: p.Met104Lys; replaces methionine 104 with lysine.
Molecular consequence: missense variant.
Genome position (GRCh38, 1-based): chr4:15,502,492, T>A. VCF-style: chr4-15502492-T-A. GRCh37 (hg19) VCF-style: chr4-15504115-T-A.
Other names: c.311T>A, p.Met104Lys (NM_001080522.2); c.164T>A, p.Met55Lys (NM_001378617.1); short protein forms M104K, M55K.
Identifiers: ClinVar variation 1050205 (VCV001050205.1), dbSNP rs2108998358, ClinGen allele CA356408168.
Genomic context (GRCh38, chr4:15,502,492, plus strand): 5'-TACCTCCAATTCCTTCAACTTCCAGAACAGGCTTTGCAGAATTTTCCATGAGGGGACGCA[T>A]GAGGGAGAAATTGCAAGCAGCGAGGGTGAGAGAAACCACATGAATATTCTGTTCAGTGCT-3'
Protein context (NP_001365544.1, residues 94-114): GFAEFSMRGR[Met104Lys]REKLQAARSK